The following is an entry in ClinVar:

ClinVar aggregate classification (germline): Likely pathogenic (1 of 4 stars; one submission).

Submission:

Mayo Clinic Laboratories, Mayo Clinic
Classification: Likely pathogenic. Last evaluated: 2024-04-09. Review status: criteria provided, single submitter. Criteria: ACMG Guidelines, 2015. Collection method: clinical testing. Allele origin: germline. Observed: 1 variant allele.
Comment: PP3, PM1_supporting, PM2_moderate, PS4_moderate

Literature cited by the submitters: PubMed 11776305; PubMed 34729451.

NM_000313.4(PROS1):c.1577T>C (p.Leu526Ser)

Gene: PROS1 (protein S; minus strand). Cytogenetic location: 3q11.1.
Variant type: single nucleotide variant.
Coding change: c.1577T>C on transcript NM_000313.4 (MANE Select); coding-DNA position 1577, T replaced by C.
Protein change: p.Leu526Ser; replaces leucine 526 with serine.
Molecular consequence: missense variant.
Genome position (GRCh38, 1-based): chr3:93,879,230, A>G on the plus strand (T>C on the coding strand, the complement: PROS1 is on the minus strand). VCF-style: chr3-93879230-A-G. GRCh37 (hg19) VCF-style: chr3-93598074-A-G.
Other names: p.Leu526Ser; c.1673T>C, p.Leu558Ser (NM_001314077.2); short protein forms L526S, L558S.
Identifiers: ClinVar variation 3380972 (VCV003380972.1).